The following is an entry in ClinVar:

ClinVar aggregate classification (germline): Pathogenic (1 of 4 stars; one submission).

Submission:

Labcorp Genetics (formerly Invitae), Labcorp
Classification: Pathogenic. Last evaluated: 2025-11-10. Review status: criteria provided, single submitter. Criteria: Invitae Variant Classification Sherloc (09022015). Collection method: clinical testing. Allele origin: germline.
Comment: This sequence change creates a premature translational stop signal (p.Val341Alafs*31) in the SLCO2A1 gene. It is expected to result in an absent or disrupted protein product. Loss-of-function variants in SLCO2A1 are known to be pathogenic (PMID: 22553128, 23509104). This variant is not present in population databases (gnomAD no frequency). This variant has not been reported in the literature in individuals affected with SLCO2A1-related conditions. ClinVar contains an entry for this variant (Variation ID: 3696256). For these reasons, this variant has been classified as Pathogenic.

Literature cited by the submitters: PubMed 22553128; PubMed 23509104.

NM_005630.3(SLCO2A1):c.1022del (p.Val341fs)

Gene: SLCO2A1 (solute carrier organic anion transporter family member 2A1; minus strand). Cytogenetic location: 3q22.1.
Variant type: Deletion.
Coding change: c.1022del on transcript NM_005630.3 (MANE Select); coding-DNA position 1022, one base deleted (T; older notation c.1022delT).
Protein change: p.Val341fs; shifts the reading frame from valine 341.
Molecular consequence: frameshift variant.
Genome position (GRCh38, 1-based): chr3:133,948,619, A deleted on the plus strand (T on the coding strand, the reverse complement: SLCO2A1 is on the minus strand). VCF-style (leftmost placement, unchanged base first): chr3-133948618-GA-G. GRCh37 (hg19) VCF-style: chr3-133667462-GA-G.
Other names: short protein forms V341fs.
Identifiers: ClinVar variation 3696256 (VCV003696256.2).